The following is an entry in ClinVar:

NM_014026.6(DCPS):c.562C>T (p.Arg188Trp)

Gene: DCPS (decapping enzyme, scavenger; plus strand). Cytogenetic location: 11q24.2.
Variant type: single nucleotide variant.
Coding change: c.562C>T on transcript NM_014026.6 (MANE Select); coding-DNA position 562, C replaced by T.
Protein change: p.Arg188Trp; replaces arginine 188 with tryptophan.
Molecular consequence: missense variant.
Genome position (GRCh38, 1-based): chr11:126,338,325, C>T. VCF-style: chr11-126338325-C-T. GRCh37 (hg19) VCF-style: chr11-126208220-C-T.
Other names: c.583C>T, p.Arg195Trp (NM_001350236.2); short protein forms R188W, R195W.
Identifiers: ClinVar variation 430387 (VCV000430387.2), dbSNP rs556401323, ClinGen allele CA6355042.

ClinVar aggregate classification (germline): Likely pathogenic (1 of 4 stars; one submission).

Allele frequency attached by ClinVar (database versions not stated): gnomAD exomes 0.00005 and 0.00013; TOPMed 0.00011; ExAC 0.00014; gnomAD 0.00014 and 0.00015; 1000 Genomes Project 0.00040; 1000 Genomes Project 30x 0.00047.
gnomAD v4.1: 96 of 1,614,140 alleles (0.0059%); highest among the groups gnomAD compares: Admixed American, 0.023%; 2 homozygotes.

Submission:

GeneDx
Classification: Likely pathogenic. Last evaluated: 2015-08-30. Review status: criteria provided, single submitter. Criteria: GeneDx Variant Classification (06012015). Collection method: clinical testing. Allele origin: germline. Affected: yes.
Comment: The R188W variant in the DCPS gene has not been published as a pathogenic variant, nor has it been reported as a benign polymorphism to our knowledge. The R188W variant was not observed in approximately 6500 individuals of European and African American ancestry in the NHLBI Exome Sequencing Project, indicating it is not a common benign variant in these populations. The R188W variant is a non-conservative amino acid substitution, which is likely to impact secondary protein structure as these residues differ in polarity, charge, size and/or other properties. This substitution occurs at a position that is conserved across species. In silico analysis predicts this variant is probably damaging to the protein structure/function. The R188W variant is a strong candidate for a disease-causing variant, however the possibility it may be a rare benign variant cannot be excluded.